The following is an entry in ClinVar:

NM_002471.4(MYH6):c.4651-5C>T

Genes: MYH6 (myosin heavy chain 6; minus strand), LOC126861896 (BRD4-independent group 4 enhancer GRCh37_chr14:23854904-23856103; plus strand). Cytogenetic location: 14q11.2.
Variant type: single nucleotide variant.
Coding change: c.4651-5C>T on transcript NM_002471.4 (MANE Select); 5 bases into the intron before coding-DNA position 4651, C replaced by T.
Molecular consequence: intron variant.
Genome position (GRCh38, 1-based): chr14:23,386,628, G>A on the plus strand (C>T on the coding strand, the complement: MYH6 is on the minus strand). VCF-style: chr14-23386628-G-A. GRCh37 (hg19) VCF-style: chr14-23855837-G-A.
Identifiers: ClinVar variation 1742184 (VCV001742184.2), dbSNP rs1891033870, ClinGen allele CA2123410326.
Genomic context (GRCh38, chr14:23,386,628, plus strand): 5'-TGGTTGAACTCTAGCTGGGCCCGGAGGATCTTGCCCTCCTCGTGCTCCAGGGAGGCCTGG[G>A]AAGGGGTGGGGCGAGGGCGGGCAGACAGGGCACAGGGCAGGGTTGAGAGGGAGGATGAGA-3'

ClinVar aggregate classification (germline): Uncertain significance (1 of 4 stars; one submission).

Conditions:
Cardiovascular phenotype. Identifiers: MedGen CN230736.

Allele frequency attached by ClinVar (database versions not stated): gnomAD exomes below 0.00001; TOPMed below 0.00001.
gnomAD v4.1: 1 of 1,484,034 alleles (0.000067%); highest among the groups gnomAD compares: Admixed American, 0.0017%; no homozygotes.

Submission:

Ambry Genetics
Classification: Uncertain significance for Cardiovascular phenotype. Last evaluated: 2021-04-23. Review status: criteria provided, single submitter. Criteria: Ambry Variant Classification Scheme 2023. Collection method: clinical testing. Allele origin: germline.
Comment: The c.4651-5C>T intronic variant results from a C to T substitution 5 nucleotides upstream from coding exon 31 in the MYH6 gene. This nucleotide position is poorly conserved in available vertebrate species. In silico splice site analysis predicts that this alteration will not have any significant effect on splicing. Since supporting evidence is limited at this time, the clinical significance of this alteration remains unclear.